The following is an entry in ClinVar:

ClinVar aggregate classification (germline): not provided (0 of 4 stars; one submission).

Submission:

National Institute of Sensory Organs, National Hospital Organization Tokyo Medical Center
No classification provided. Last evaluated: 2021-07-20. Review status: no classification provided. Collection method: literature only, in vitro. Allele origin: unknown, not applicable. Functional consequence: loss_of_function_variant.
Comment: in vitro experiment

The NM_000441.2(SLC26A4):c.1223C>T (p.Ser408Phe) variant was identified in mice in a mutagenesis screen (Dror et al., J Biol Chem 2010:285:21724, PMID: 20442411). However, this variant has not been identified in humans.

NM_000441.2(SLC26A4):c.1223C>T (p.Ser408Phe)

Gene: SLC26A4 (solute carrier family 26 member 4; plus strand). Cytogenetic location: 7q22.3.
Variant type: single nucleotide variant.
Coding change: c.1223C>T on transcript NM_000441.2 (MANE Select); coding-DNA position 1223, C replaced by T.
Protein change: p.Ser408Phe; replaces serine 408 with phenylalanine.
Molecular consequence: missense variant.
Genome position (GRCh38, 1-based): chr7:107,690,197, C>T. VCF-style: chr7-107690197-C-T. GRCh37 (hg19) VCF-style: chr7-107330642-C-T.
Other names: short protein forms S408F.
Identifiers: ClinVar variation 691511 (VCV000691511.4), dbSNP rs1584325160, ClinGen allele CA368839262.